The following is an entry in ClinVar:

NM_001005242.3(PKP2):c.2346del (p.Ser782fs)

Gene: PKP2 (plakophilin 2; minus strand). Cytogenetic location: 12p11.21.
Variant type: Deletion.
Coding change: c.2346del on transcript NM_001005242.3 (MANE Select); coding-DNA position 2346, one base deleted (T; older notation c.2346delT).
Protein change: p.Ser782fs; shifts the reading frame from serine 782.
Molecular consequence: frameshift variant.
Genome position (GRCh38, 1-based): chr12:32,796,120, A deleted on the plus strand (T on the coding strand, the reverse complement: PKP2 is on the minus strand). VCF-style (leftmost placement, unchanged base first): chr12-32796119-CA-C. GRCh37 (hg19) VCF-style: chr12-32949053-CA-C.
Other names: c.2181delT, p.Ser727Argfs (NM_001407156.1); c.2019delT, p.Ser673Argfs (NM_001407158.1, NM_001407159.1); c.2478del, p.Ser826fs (NM_004572.4); short protein forms S782fs, S826fs.
Identifiers: ClinVar variation 1806376 (VCV001806376.1), dbSNP rs2541189820, ClinGen allele CA16616725.

ClinVar aggregate classification (germline): Likely pathogenic (1 of 4 stars; one submission).

Conditions:
Arrhythmogenic right ventricular dysplasia 9 (ARVD9). Also called: Arrhythmogenic Right Ventricular Dysplasia/Cardiomyopathy 9; ARRHYTHMOGENIC RIGHT VENTRICULAR DYSPLASIA, FAMILIAL, 9. Identifiers: MedGen C1836906, MONDO:0012180, OMIM 609040.

Submission:

Victorian Clinical Genetics Services, Murdoch Childrens Research Institute
Classification: Likely pathogenic for Arrhythmogenic right ventricular dysplasia 9. Last evaluated: 2020-07-02. Review status: criteria provided, single submitter. Criteria: ACMG Guidelines, 2015. Collection method: clinical testing. Allele origin: germline. Inheritance: Autosomal dominant inheritance. Affected: yes.
Comment: Based on the classification scheme VCGS_Germline_v1.3.3, this variant is classified as Likely pathogenic. Following criteria are met: 0103 - Dominant negative and loss of function are known mechanisms of disease in this gene and are associated with ARVC. (PMID: 24967631. PMID: 23183494). (I) 0107 - This gene is associated with autosomal dominant disease. (I) 0112 - ARVC, that is associated with this gene, has incomplete penetrance (PMID: 17010805, PMID: 23183494). (I) 0115 - Variants in this gene are known to have variable expressivity (PMID: 17010805, PMID: 23183494). (I) 0208 - Variant is predicted to result in an elongated protein. (SP) 0251 - This variant is heterozygous. (I) 0301 - Variant is absent from gnomAD (both v2 and v3). (SP) 0702 - Other variants comparable to the one identified in this case have strong previous evidence for pathogenicity. Several downstream frameshift variants that are predicted to extend the protein have been reported in multiple patients with ARVC. However, functional studies have not been published. ClinVar: NM_004572.3:c.2509delA; p.(Ser837Valfs*94). c.2551delA; p.(Thr851Argfs*80). c.2554delG; p.(Glu852Asnfs*79). (SP) 0803 - This variant has limited previous evidence of pathogenicity. Considered pathogenic in LOVD3 by the VKGL Data-Sharing Initiative, Netherlands, no details provided. (SP) 0905 - No published segregation evidence has been identified for this variant. (I) 1007 - No published functional evidence has been identified for this variant. (I) 1208 - Inheritance information for this variant is not currently available in this individual. (I) Legend: (SP) - Supporting Pathogenic, (I) – Information, (SB) – Supporting Benign

Literature cited by the submitters: PubMed 17010805; PubMed 23183494; PubMed 24967631.